The following is an entry in ClinVar:

ClinVar aggregate classification (germline): Uncertain significance. Review status: criteria provided, multiple submitters, no conflicts (2 of 4 stars). 3 submissions from 3 submitters: Uncertain significance (3). Last evaluated 2025-07-22.

Conditions:
Inborn genetic diseases. Identifiers: MedGen C0950123, MeSH D030342.
Epidermolysis bullosa simplex, Ogna type (EBS5A). Also called: Pidermolysis bullosa simplex 5A, Ogna type; EPIDERMOLYSIS BULLOSA SIMPLEX 5A, OGNA TYPE. Identifiers: Orphanet 79401, MedGen C0432317, MONDO:0007555, OMIM 131950.
Autosomal recessive limb-girdle muscular dystrophy type 2Q (LGMDR17). Also called: MUSCULAR DYSTROPHY, LIMB-GIRDLE, AUTOSOMAL RECESSIVE 17. Identifiers: Orphanet 254361, MedGen C3150989, MONDO:0013390, OMIM 613723.
Epidermolysis bullosa simplex with nail dystrophy (EBS5D). Identifiers: MedGen C4225309, MONDO:0014661, OMIM 616487.
Epidermolysis bullosa simplex 5B, with muscular dystrophy (EBS5B). Also called: Epidermolysis bullosa simplex with muscular dystrophy; EPIDERMOLYSIS BULLOSA SIMPLEX AND LIMB-GIRDLE MUSCULAR DYSTROPHY. Identifiers: Orphanet 257, MedGen C2931072, MONDO:0009181, OMIM 226670.
Epidermolysis bullosa simplex 5C, with pyloric atresia (EBS5C). Also called: PLEC-Related Epidermolysis Bullosa with Pyloric Atresia; PLEC1-Related Epidermolysis Bullosa with Pyloric Atresia; Epidermolysis bullosa simplex with pyloric atresia. Identifiers: Orphanet 158684, MedGen C2677349, MONDO:0012807, OMIM 612138.

Allele frequency attached by ClinVar (database versions not stated): ExAC 0.00001; gnomAD exomes 0.00001; gnomAD 0.00008 and 0.00009; TOPMed 0.00010; 1000 Genomes Project 0.00040; 1000 Genomes Project 30x 0.00062.
gnomAD v4.1: 22 of 1,586,432 alleles (0.0014%); highest among the groups gnomAD compares: African/African-American, 0.025%; no homozygotes.

Submissions (3):

Labcorp Genetics (formerly Invitae), Labcorp
Classification: Uncertain significance for Autosomal recessive limb-girdle muscular dystrophy type 2Q; Epidermolysis bullosa simplex, Ogna type; Epidermolysis bullosa simplex with nail dystrophy; Epidermolysis bullosa simplex 5C, with pyloric atresia; Epidermolysis bullosa simplex 5B, with muscular dystrophy. Last evaluated: 2025-07-22. Review status: criteria provided, single submitter. Criteria: Invitae Variant Classification Sherloc (09022015). Collection method: clinical testing. Allele origin: germline.
Comment: This sequence change replaces alanine, which is neutral and non-polar, with threonine, which is neutral and polar, at codon 2003 of the PLEC protein (p.Ala2003Thr). This variant is present in population databases (rs575730624, gnomAD 0.0009%). This variant has not been reported in the literature in individuals affected with PLEC-related conditions. ClinVar contains an entry for this variant (Variation ID: 663456). Experimental studies and prediction algorithms are not available or were not evaluated, and the functional significance of this variant is currently unknown. In summary, the available evidence is currently insufficient to determine the role of this variant in disease. Therefore, it has been classified as a Variant of Uncertain Significance.

Ambry Genetics
Classification: Uncertain significance for Inborn genetic diseases. Last evaluated: 2025-03-27. Review status: criteria provided, single submitter. Criteria: Ambry Variant Classification Scheme 2023. Collection method: clinical testing. Allele origin: germline.

Revvity Omics, Revvity
Classification: Uncertain significance. Last evaluated: 2024-07-02. Review status: criteria provided, single submitter. Criteria: ACMG Guidelines, 2015. Collection method: clinical testing. Allele origin: germline.

NM_201384.3(PLEC):c.5926G>A (p.Ala1976Thr)

Gene: PLEC (plectin; minus strand). Cytogenetic location: 8q24.3.
Variant type: single nucleotide variant.
Coding change: c.5926G>A on transcript NM_201384.3 (MANE Select); coding-DNA position 5926, G replaced by A.
Protein change: p.Ala1976Thr; replaces alanine 1976 with threonine.
Molecular consequence: missense variant.
Genome position (GRCh38, 1-based): chr8:143,924,003, C>T on the plus strand (G>A on the coding strand, the complement: PLEC is on the minus strand). VCF-style: chr8-143924003-C-T. GRCh37 (hg19) VCF-style: chr8-144998171-C-T.
Other names: c.6007G>A (NM_000445.3); c.6007G>A, p.Ala2003Thr (NM_000445.5); c.5884G>A, p.Ala1962Thr (NM_201378.4); c.5860G>A, p.Ala1954Thr (NM_201379.3); c.6337G>A, p.Ala2113Thr (NM_201380.4); c.5830G>A, p.Ala1944Thr (NM_201381.3); c.5926G>A, p.Ala1976Thr (NM_201382.4); c.5938G>A, p.Ala1980Thr (NM_201383.3); short protein forms A2003T, A1976T, A1944T, A1980T, A1954T, A1962T, A2113T.
Identifiers: ClinVar variation 663456 (VCV000663456.10), dbSNP rs575730624, ClinGen allele CA4926190.